The following is an entry in ClinVar:

ClinVar aggregate classification (germline): Uncertain significance (1 of 4 stars; one submission).

Allele frequency attached by ClinVar (database versions not stated): gnomAD 0.00001; gnomAD exomes 0.00001.
gnomAD v4.1: 19 of 1,612,348 alleles (0.0012%); highest among the groups gnomAD compares: South Asian, 0.0022%; no homozygotes.

Submission:

Labcorp Genetics (formerly Invitae), Labcorp
Classification: Uncertain significance. Last evaluated: 2025-08-12. Review status: criteria provided, single submitter. Criteria: Invitae Variant Classification Sherloc (09022015). Collection method: clinical testing. Allele origin: germline.
Comment: This sequence change replaces tyrosine, which is neutral and polar, with cysteine, which is neutral and slightly polar, at codon 1443 of the HMCN1 protein (p.Tyr1443Cys). This variant is present in population databases (no rsID available, gnomAD 0.003%). This variant has not been reported in the literature in individuals affected with HMCN1-related conditions. ClinVar contains an entry for this variant (Variation ID: 1918255). An algorithm developed to predict the effect of missense changes on protein structure and function (PolyPhen-2) suggests that this variant is likely to be disruptive. In summary, the available evidence is currently insufficient to determine the role of this variant in disease. Therefore, it has been classified as a Variant of Uncertain Significance.

NM_031935.3(HMCN1):c.4328A>G (p.Tyr1443Cys)

Gene: HMCN1 (hemicentin 1; plus strand). Cytogenetic location: 1q31.1.
Variant type: single nucleotide variant.
Coding change: c.4328A>G on transcript NM_031935.3 (MANE Select); coding-DNA position 4328, A replaced by G.
Protein change: p.Tyr1443Cys; replaces tyrosine 1443 with cysteine.
Molecular consequence: missense variant.
Genome position (GRCh38, 1-based): chr1:186,001,721, A>G. VCF-style: chr1-186001721-A-G. GRCh37 (hg19) VCF-style: chr1-185970853-A-G.
Other names: short protein forms Y1443C.
Identifiers: ClinVar variation 1918255 (VCV001918255.5), dbSNP rs1285320228, ClinGen allele CA343877752.
Genomic context (GRCh38, chr1:186,001,721, plus strand): 5'-CAGAGGATGCAGGAAGATATTCCTGCAAAGCAATTAATATTGCAGGCACTTCTCAGAAGT[A>G]CTTTAACATTGATGTGCTAGGTAAGAAATACATCCTTTTAAAAAACTACAATTCAGAAGC-3'
Protein context (NP_114141.2, residues 1433-1453): AINIAGTSQK[Tyr1443Cys]FNIDVLVPPT